The following is an entry in ClinVar:

ClinVar aggregate classification (germline): Uncertain significance (1 of 4 stars; one submission).

Allele frequency attached by ClinVar (database versions not stated): gnomAD exomes below 0.00001 and 0.00004.
gnomAD v4.1: 49 of 1,582,272 alleles (0.0031%); highest among the groups gnomAD compares: Non-Finnish European, 0.0041%; no homozygotes.

Submission:

Labcorp Genetics (formerly Invitae), Labcorp
Classification: Uncertain significance. Last evaluated: 2023-09-21. Review status: criteria provided, single submitter. Criteria: Invitae Variant Classification Sherloc (09022015). Collection method: clinical testing. Allele origin: germline.
Comment: In summary, the available evidence is currently insufficient to determine the role of this variant in disease. Therefore, it has been classified as a Variant of Uncertain Significance. An algorithm developed to predict the effect of missense changes on protein structure and function (PolyPhen-2) suggests that this variant is likely to be disruptive. ClinVar contains an entry for this variant (Variation ID: 1379674). This variant has not been reported in the literature in individuals affected with GEN1-related conditions. This variant is present in population databases (no rsID available, gnomAD 0.002%). This sequence change replaces proline, which is neutral and non-polar, with serine, which is neutral and polar, at codon 367 of the GEN1 protein (p.Pro367Ser).

NM_001130009.3(GEN1):c.1099C>T (p.Pro367Ser)

Gene: GEN1 (GEN1 structure-specific endonuclease; plus strand). Cytogenetic location: 2p24.2.
Variant type: single nucleotide variant.
Coding change: c.1099C>T on transcript NM_001130009.3 (MANE Select); coding-DNA position 1099, C replaced by T.
Protein change: p.Pro367Ser; replaces proline 367 with serine.
Molecular consequence: missense variant.
Genome position (GRCh38, 1-based): chr2:17,774,298, C>T. VCF-style: chr2-17774298-C-T. GRCh37 (hg19) VCF-style: chr2-17955565-C-T.
Other names: c.1099C>T, p.Pro367Ser (NM_182625.5); short protein forms P367S.
Identifiers: ClinVar variation 1379674 (VCV001379674.6), dbSNP rs1023290414, ClinGen allele CA43352654.
Genomic context (GRCh38, chr2:17,774,298, plus strand): 5'-CAAAATCTTGTTTTATTTTTATTATATTTATAGAGATTTACTCTTGAAAAAATGGAGTGG[C>T]CCAATCACTATGCATGTGAGAAATTGCTGGTACTTTTGACCCATTATGACATGATAGAAA-3'
Protein context (NP_001123481.3, residues 357-377): QRFTLEKMEW[Pro367Ser]NHYACEKLLV